The following is an entry in ClinVar:

ClinVar aggregate classification (germline): Uncertain significance (1 of 4 stars; one submission).

Conditions:
Cardiovascular phenotype. Identifiers: MedGen CN230736.

Allele frequency attached by ClinVar (database versions not stated): gnomAD exomes below 0.00001; gnomAD 0.00001.
gnomAD v4.1: 2 of 1,613,744 alleles (0.00012%); highest among the groups gnomAD compares: Admixed American, 0.0017%; no homozygotes.

Submission:

Ambry Genetics
Classification: Uncertain significance for Cardiovascular phenotype. Last evaluated: 2018-12-05. Review status: criteria provided, single submitter. Criteria: Ambry Variant Classification Scheme 2023. Collection method: clinical testing. Allele origin: germline.
Comment: The p.I4069V variant (also known as c.12205A>G), located in coding exon 44 of the TTN gene, results from an A to G substitution at nucleotide position 12205. The isoleucine at codon 4069 is replaced by valine, an amino acid with highly similar properties. This amino acid position is poorly conserved in available vertebrate species, and valine is the reference amino acid in other vertebrate species. In addition, this alteration is predicted to be tolerated by in silico analysis. Since supporting evidence is limited at this time, the clinical significance of this alteration remains unclear.

NM_001267550.2(TTN):c.13294A>G (p.Ile4432Val)

Gene: TTN (titin; minus strand). Cytogenetic location: 2q31.2.
Variant type: single nucleotide variant.
Coding change: c.13294A>G on transcript NM_001267550.2 (MANE Select); coding-DNA position 13294, A replaced by G.
Protein change: p.Ile4432Val; replaces isoleucine 4432 with valine.
Molecular consequence: missense variant. On other transcripts: intron variant (1).
Genome position (GRCh38, 1-based): chr2:178,739,939, T>C on the plus strand (A>G on the coding strand, the complement: TTN is on the minus strand). VCF-style: chr2-178739939-T-C. GRCh37 (hg19) VCF-style: chr2-179604666-T-C.
Other names: c.12343A>G, p.Ile4115Val (NM_001256850.1); c.12205A>G, p.Ile4069Val (NM_003319.4); c.12580A>G, p.Ile4194Val (NM_133432.3); c.12781A>G, p.Ile4261Val (NM_133437.4); c.10361-1579A>G (NM_133378.4); short protein forms I4069V, I4194V, I4261V, I4432V, I4115V.
Identifiers: ClinVar variation 1752892 (VCV001752892.2), dbSNP rs1293179822, ClinGen allele CA349608581.